The following is an entry in ClinVar:

NM_005585.5(SMAD6):c.295G>A (p.Gly99Ser)

Gene: SMAD6 (SMAD family member 6; plus strand). Cytogenetic location: 15q22.31.
Variant type: single nucleotide variant.
Coding change: c.295G>A on transcript NM_005585.5 (MANE Select); coding-DNA position 295, G replaced by A.
Protein change: p.Gly99Ser; replaces glycine 99 with serine.
Molecular consequence: missense variant. On other transcripts: non-coding transcript variant (1).
Genome position (GRCh38, 1-based): chr15:66,703,553, G>A. VCF-style: chr15-66703553-G-A. GRCh37 (hg19) VCF-style: chr15-66995891-G-A.
Other names: c.295G>A (NM_005585.4); short protein forms G99S.
Identifiers: ClinVar variation 2718044 (VCV002718044.4), dbSNP rs1452433376, ClinGen allele CA392949203.

ClinVar aggregate classification (germline): Uncertain significance. Review status: criteria provided, multiple submitters, no conflicts (2 of 4 stars). 2 submissions from 2 submitters: Uncertain significance (2). Last evaluated 2025-07-09.

Conditions:
Inborn genetic diseases. Identifiers: MedGen C0950123, MeSH D030342.
Aortic valve disease 2 (AOVD2). Identifiers: MedGen C3542024, MONDO:0013902, OMIM 614823.

Allele frequency attached by ClinVar (database versions not stated): gnomAD 0.00001; TOPMed below 0.00001.

Submissions (2):

Ambry Genetics
Classification: Uncertain significance for Inborn genetic diseases. Last evaluated: 2025-07-09. Review status: criteria provided, single submitter. Criteria: Ambry Variant Classification Scheme 2023. Collection method: clinical testing. Allele origin: germline.
Comment: The p.G99S variant (also known as c.295G>A), located in coding exon 1 of the SMAD6 gene, results from a G to A substitution at nucleotide position 295. The glycine at codon 99 is replaced by serine, an amino acid with similar properties. This amino acid position is conserved. In addition, this alteration is predicted to be tolerated by in silico analysis. Based on the available evidence, the clinical significance of this variant remains unclear.

Labcorp Genetics (formerly Invitae), Labcorp
Classification: Uncertain significance for Aortic valve disease 2. Last evaluated: 2023-11-03. Review status: criteria provided, single submitter. Criteria: Invitae Variant Classification Sherloc (09022015). Collection method: clinical testing. Allele origin: germline.
Comment: This sequence change replaces glycine, which is neutral and non-polar, with serine, which is neutral and polar, at codon 99 of the SMAD6 protein (p.Gly99Ser). This variant is not present in population databases (gnomAD no frequency). This variant has not been reported in the literature in individuals affected with SMAD6-related conditions. Algorithms developed to predict the effect of missense changes on protein structure and function output the following: SIFT: "Not Available"; PolyPhen-2: "Possibly Damaging"; Align-GVGD: "Not Available". The serine amino acid residue is found in multiple mammalian species, which suggests that this missense change does not adversely affect protein function. In summary, the available evidence is currently insufficient to determine the role of this variant in disease. Therefore, it has been classified as a Variant of Uncertain Significance.